The following is an entry in ClinVar:

NM_000316.3(PTH1R):c.940T>C (p.Phe314Leu)

Gene: PTH1R (parathyroid hormone 1 receptor; plus strand). Cytogenetic location: 3p21.31.
Variant type: single nucleotide variant.
Coding change: c.940T>C on transcript NM_000316.3 (MANE Select); coding-DNA position 940, T replaced by C.
Protein change: p.Phe314Leu; replaces phenylalanine 314 with leucine.
Molecular consequence: missense variant.
Genome position (GRCh38, 1-based): chr3:46,899,408, T>C. VCF-style: chr3-46899408-T-C. GRCh37 (hg19) VCF-style: chr3-46940898-T-C.
Other names: c.940T>C, p.Phe314Leu (NM_001184744.1); short protein forms F314L.
Identifiers: ClinVar variation 4742167 (VCV004742167.1).

ClinVar aggregate classification (germline): Uncertain significance (1 of 4 stars; one submission).

Submission:

Labcorp Genetics (formerly Invitae), Labcorp
Classification: Uncertain significance. Last evaluated: 2025-02-13. Review status: criteria provided, single submitter. Criteria: Invitae Variant Classification Sherloc (09022015). Collection method: clinical testing. Allele origin: germline.
Comment: This sequence change replaces phenylalanine, which is neutral and non-polar, with leucine, which is neutral and non-polar, at codon 314 of the PTH1R protein (p.Phe314Leu). This variant is not present in population databases (gnomAD no frequency). This variant has not been reported in the literature in individuals affected with PTH1R-related conditions. Invitae Evidence Modeling of protein sequence and biophysical properties (such as structural, functional, and spatial information, amino acid conservation, physicochemical variation, residue mobility, and thermodynamic stability) indicates that this missense variant is not expected to disrupt PTH1R protein function with a negative predictive value of 80%. In summary, the available evidence is currently insufficient to determine the role of this variant in disease. Therefore, it has been classified as a Variant of Uncertain Significance.